The following is an entry in ClinVar:

NM_032620.4(GTPBP3):c.769C>A (p.Pro257Thr)

Gene: GTPBP3 (GTP binding protein 3, mitochondrial; plus strand). Cytogenetic location: 19p13.11.
Variant type: single nucleotide variant.
Coding change: c.769C>A on transcript NM_032620.4 (MANE Select); coding-DNA position 769, C replaced by A.
Protein change: p.Pro257Thr; replaces proline 257 with threonine.
Molecular consequence: missense variant.
Genome position (GRCh38, 1-based): chr19:17,339,227, C>A. VCF-style: chr19-17339227-C-A. GRCh37 (hg19) VCF-style: chr19-17450036-C-A.
Other names: c.769C>A, p.Pro257Thr (NM_001128855.3); c.835C>A, p.Pro279Thr (NM_001195422.1); c.865C>A, p.Pro289Thr (NM_133644.4); short protein forms P257T, P289T, P279T.
Identifiers: ClinVar variation 1401630 (VCV001401630.6), dbSNP rs2145702381, ClinGen allele CA404737045.
Genomic context (GRCh38, chr19:17,339,227, plus strand): 5'-CTACGAGATGCCAGGCGCGGGCAGAGGCTCCGCTCAGGGGTGCACGTAGTGGTCACTGGA[C>A]CCCCCAATGCGGGCAAGAGCAGCCTAGTGAACCTGCTCAGTGAGTAGGCGGCGGGAAGGG-3'
Protein context (NP_116009.2, residues 247-267): RSGVHVVVTG[Pro257Thr]PNAGKSSLVN

ClinVar aggregate classification (germline): Uncertain significance (1 of 4 stars; one submission).

gnomAD v4.1: 1 of 1,607,566 alleles (0.000062%); no homozygotes.

Submission:

Labcorp Genetics (formerly Invitae), Labcorp
Classification: Uncertain significance. Last evaluated: 2021-06-18. Review status: criteria provided, single submitter. Criteria: Invitae Variant Classification Sherloc (09022015). Collection method: clinical testing. Allele origin: germline.
Comment: This sequence change replaces proline with threonine at codon 289 of the GTPBP3 protein (p.Pro289Thr). The proline residue is weakly conserved and there is a small physicochemical difference between proline and threonine. This variant is not present in population databases (ExAC no frequency). This variant has not been reported in the literature in individuals with GTPBP3-related conditions. Algorithms developed to predict the effect of missense changes on protein structure and function are either unavailable or do not agree on the potential impact of this missense change (SIFT: "Tolerated"; PolyPhen-2: "Possibly Damaging"; Align-GVGD: "Class C0"). In summary, the available evidence is currently insufficient to determine the role of this variant in disease. Therefore, it has been classified as a Variant of Uncertain Significance.